The following is an entry in ClinVar:

NM_144997.7(FLCN):c.1546A>G (p.Lys516Glu)

Gene: FLCN (folliculin; minus strand). Cytogenetic location: 17p11.2.
Variant type: single nucleotide variant.
Coding change: c.1546A>G on transcript NM_144997.7 (MANE Select); coding-DNA position 1546, A replaced by G.
Protein change: p.Lys516Glu; replaces lysine 516 with glutamic acid.
Molecular consequence: missense variant.
Genome position (GRCh38, 1-based): chr17:17,213,849, T>C on the plus strand (A>G on the coding strand, the complement: FLCN is on the minus strand). VCF-style: chr17-17213849-T-C. GRCh37 (hg19) VCF-style: chr17-17117163-T-C.
Other names: c.1600A>G, p.Lys534Glu (NM_001353229.2); c.1546A>G, p.Lys516Glu (NM_001353230.2, NM_001353231.2); short protein forms K516E, K534E.
Identifiers: ClinVar variation 1774930 (VCV001774930.6), dbSNP rs2544126498, ClinGen allele CA398530524.

ClinVar aggregate classification (germline): Uncertain significance. Review status: criteria provided, multiple submitters, no conflicts (2 of 4 stars). 2 submissions from 2 submitters: Uncertain significance (2). Last evaluated 2024-12-19.

Conditions:
Birt-Hogg-Dube syndrome. Also called: Birt Hogg Dubé syndrome. Identifiers: Orphanet 122, MedGen C0346010, MONDO:0800444.
Hereditary cancer-predisposing syndrome. Also called: Tumor predisposition; Neoplastic Syndromes, Hereditary; Hereditary Cancer Syndrome; Hereditary neoplastic syndrome. Identifiers: Orphanet 140162, MedGen C0027672, MeSH D009386, MONDO:0015356.

Submissions (2):

Ambry Genetics
Classification: Uncertain significance for Hereditary cancer-predisposing syndrome. Last evaluated: 2024-12-19. Review status: criteria provided, single submitter. Criteria: Ambry Variant Classification Scheme 2023. Collection method: clinical testing. Allele origin: germline.
Comment: The p.K516E variant (also known as c.1546A>G), located in coding exon 11 of the FLCN gene, results from an A to G substitution at nucleotide position 1546. The lysine at codon 516 is replaced by glutamic acid, an amino acid with similar properties. This amino acid position is conserved. In addition, this alteration is predicted to be deleterious by in silico analysis. Since supporting evidence is limited at this time, the clinical significance of this alteration remains unclear.

Labcorp Genetics (formerly Invitae), Labcorp
Classification: Uncertain significance for Birt-Hogg-Dube syndrome. Last evaluated: 2023-02-23. Review status: criteria provided, single submitter. Criteria: Invitae Variant Classification Sherloc (09022015). Collection method: clinical testing. Allele origin: germline.
Comment: This sequence change replaces lysine, which is basic and polar, with glutamic acid, which is acidic and polar, at codon 516 of the FLCN protein (p.Lys516Glu). This variant is not present in population databases (gnomAD no frequency). In summary, the available evidence is currently insufficient to determine the role of this variant in disease. Therefore, it has been classified as a Variant of Uncertain Significance. Advanced modeling of protein sequence and biophysical properties (such as structural, functional, and spatial information, amino acid conservation, physicochemical variation, residue mobility, and thermodynamic stability) performed at Invitae indicates that this missense variant is expected to disrupt FLCN protein function. ClinVar contains an entry for this variant (Variation ID: 1774930). This variant has not been reported in the literature in individuals affected with FLCN-related conditions.